The following is an entry in ClinVar:

NM_001134363.3(RBM20):c.741G>T (p.Gln247His)

Gene: RBM20 (RNA binding motif protein 20; plus strand). Cytogenetic location: 10q25.2.
Variant type: single nucleotide variant.
Coding change: c.741G>T on transcript NM_001134363.3 (MANE Select); coding-DNA position 741, G replaced by T.
Protein change: p.Gln247His; replaces glutamine 247 with histidine.
Molecular consequence: missense variant.
Genome position (GRCh38, 1-based): chr10:110,781,350, G>T. VCF-style: chr10-110781350-G-T. GRCh37 (hg19) VCF-style: chr10-112541108-G-T.
Other names: short protein forms Q247H.
Identifiers: ClinVar variation 2985311 (VCV002985311.3), dbSNP rs2493411489, ClinGen allele CA378382831.

ClinVar aggregate classification (germline): Uncertain significance (1 of 4 stars; one submission).

Conditions:
Dilated cardiomyopathy 1DD (CMD1DD). Identifiers: Orphanet 154, MedGen C2750995, MONDO:0013168, OMIM 613172.

Submission:

Labcorp Genetics (formerly Invitae), Labcorp
Classification: Uncertain significance for Dilated cardiomyopathy 1DD. Last evaluated: 2023-05-19. Review status: criteria provided, single submitter. Criteria: Invitae Variant Classification Sherloc (09022015). Collection method: clinical testing. Allele origin: germline.
Comment: In summary, the available evidence is currently insufficient to determine the role of this variant in disease. Therefore, it has been classified as a Variant of Uncertain Significance. Advanced modeling of protein sequence and biophysical properties (such as structural, functional, and spatial information, amino acid conservation, physicochemical variation, residue mobility, and thermodynamic stability) performed at Invitae indicates that this missense variant is not expected to disrupt RBM20 protein function. This variant has not been reported in the literature in individuals affected with RBM20-related conditions. This variant is not present in population databases (gnomAD no frequency). This sequence change replaces glutamine, which is neutral and polar, with histidine, which is basic and polar, at codon 247 of the RBM20 protein (p.Gln247His).